The following is an entry in ClinVar:

ClinVar aggregate classification (germline): Uncertain significance (1 of 4 stars; one submission).

Conditions:
Maple syrup urine disease, mild variant (MSUDMV). Identifiers: Orphanet 511, MedGen C3554575, MONDO:0014057, OMIM 615135.

Submission:

Labcorp Genetics (formerly Invitae), Labcorp
Classification: Uncertain significance for Maple syrup urine disease, mild variant. Last evaluated: 2022-12-10. Review status: criteria provided, single submitter. Criteria: Invitae Variant Classification Sherloc (09022015). Collection method: clinical testing. Allele origin: germline.
Comment: In summary, the available evidence is currently insufficient to determine the role of this variant in disease. Therefore, it has been classified as a Variant of Uncertain Significance. Algorithms developed to predict the effect of missense changes on protein structure and function are either unavailable or do not agree on the potential impact of this missense change (SIFT: "Deleterious"; PolyPhen-2: "Benign"; Align-GVGD: "Class C0"). This variant has not been reported in the literature in individuals affected with PPM1K-related conditions. This variant is not present in population databases (gnomAD no frequency). This sequence change replaces proline, which is neutral and non-polar, with threonine, which is neutral and polar, at codon 79 of the PPM1K protein (p.Pro79Thr).

NM_152542.5(PPM1K):c.235C>A (p.Pro79Thr)

Gene: PPM1K (protein phosphatase, Mg2+/Mn2+ dependent 1K; minus strand). Cytogenetic location: 4q22.1.
Variant type: single nucleotide variant.
Coding change: c.235C>A on transcript NM_152542.5 (MANE Select); coding-DNA position 235, C replaced by A.
Protein change: p.Pro79Thr; replaces proline 79 with threonine.
Molecular consequence: missense variant.
Genome position (GRCh38, 1-based): chr4:88,278,349, G>T on the plus strand (C>A on the coding strand, the complement: PPM1K is on the minus strand). VCF-style: chr4-88278349-G-T. GRCh37 (hg19) VCF-style: chr4-89199501-G-T.
Other names: short protein forms P79T.
Identifiers: ClinVar variation 2812529 (VCV002812529.3), dbSNP rs2476671708, ClinGen allele CA357708063.